The following is an entry in ClinVar:

NM_001130144.3(LTBP3):c.3305G>C (p.Gly1102Ala)

Gene: LTBP3 (latent transforming growth factor beta binding protein 3; minus strand). Cytogenetic location: 11q13.1.
Variant type: single nucleotide variant.
Coding change: c.3305G>C on transcript NM_001130144.3 (MANE Select); coding-DNA position 3305, G replaced by C.
Protein change: p.Gly1102Ala; replaces glycine 1102 with alanine.
Molecular consequence: missense variant. On other transcripts: intron variant (2).
Genome position (GRCh38, 1-based): chr11:65,540,093, C>G on the plus strand (G>C on the coding strand, the complement: LTBP3 is on the minus strand). VCF-style: chr11-65540093-C-G. GRCh37 (hg19) VCF-style: chr11-65307564-C-G.
Other names: c.2893+152G>C (NM_001164266.1); c.3244+152G>C (NM_021070.4); c.3305G>C (NM_001130144.2); short protein forms G1102A.
Identifiers: ClinVar variation 3005413 (VCV003005413.4), dbSNP rs1034516623, ClinGen allele CA381267181.

ClinVar aggregate classification (germline): Uncertain significance. Review status: criteria provided, multiple submitters, no conflicts (2 of 4 stars). 2 submissions from 2 submitters: Uncertain significance (2). Last evaluated 2025-05-30.

Conditions:
Inborn genetic diseases. Identifiers: MedGen C0950123, MeSH D030342.
Brachyolmia-amelogenesis imperfecta syndrome. Also called: PLATYSPONDYLY WITH AMELOGENESIS IMPERFECTA; Tooth agenesis, selective, 6; Dental anomalies and short stature. Identifiers: Orphanet 2899, MedGen C1832594, MONDO:0011018, OMIM 601216. Disease mechanism: loss of function.

gnomAD v4.1: 6 of 1,526,748 alleles (0.00039%); highest among the groups gnomAD compares: Non-Finnish European, 0.00044%; no homozygotes.

Submissions (2):

Ambry Genetics
Classification: Uncertain significance for Inborn genetic diseases. Last evaluated: 2025-05-30. Review status: criteria provided, single submitter. Criteria: Ambry Variant Classification Scheme 2023. Collection method: clinical testing. Allele origin: germline.
Comment: The p.G1102A variant (also known as c.3305G>C), located in coding exon 24 of the LTBP3 gene, results from a G to C substitution at nucleotide position 3305. The glycine at codon 1102 is replaced by alanine, an amino acid with similar properties. This amino acid position is conserved. In addition, this alteration is predicted to be deleterious by in silico analysis. Based on the available evidence, the clinical significance of this variant remains unclear.

Labcorp Genetics (formerly Invitae), Labcorp
Classification: Uncertain significance for Brachyolmia-amelogenesis imperfecta syndrome. Last evaluated: 2024-05-31. Review status: criteria provided, single submitter. Criteria: Invitae Variant Classification Sherloc (09022015). Collection method: clinical testing. Allele origin: germline.
Comment: This sequence change replaces glycine, which is neutral and non-polar, with alanine, which is neutral and non-polar, at codon 1102 of the LTBP3 protein (p.Gly1102Ala). This variant is not present in population databases (gnomAD no frequency). This variant has not been reported in the literature in individuals affected with LTBP3-related conditions. An algorithm developed to predict the effect of missense changes on protein structure and function (PolyPhen-2) suggests that this variant is likely to be disruptive. In summary, the available evidence is currently insufficient to determine the role of this variant in disease. Therefore, it has been classified as a Variant of Uncertain Significance.